The following is an entry in ClinVar:

ClinVar aggregate classification (germline): Benign (0 of 4 stars; one submission).

Conditions:
MYOM2-related disorder. Also called: MYOM2-related condition.

Allele frequency attached by ClinVar (database versions not stated): ExAC 0.00629; gnomAD 0.01992; 1000 Genomes Project 0.02077; ESP Exome Variant Server 0.02168; TOPMed 0.02192; 1000 Genomes Project 30x 0.02280.
gnomAD v4.1: 6,144 of 1,614,090 alleles (0.38%); highest among the groups gnomAD compares: African/African-American, 6.9%; 194 homozygotes.

Submission:

PreventionGenetics, part of Exact Sciences
Classification: Benign for MYOM2-related condition. Last evaluated: 2019-03-12. Review status: no assertion criteria provided. Collection method: clinical testing. Allele origin: germline.
Comment: This variant is classified as benign based on ACMG/AMP sequence variant interpretation guidelines (Richards et al. 2015 PMID: 25741868, with internal and published modifications).

NM_003970.4(MYOM2):c.4341G>A (p.Pro1447=)

Gene: MYOM2 (myomesin 2; plus strand). Cytogenetic location: 8p23.3.
Variant type: single nucleotide variant.
Coding change: c.4341G>A on transcript NM_003970.4 (MANE Select); coding-DNA position 4341, G replaced by A.
Protein change: p.Pro1447=; no amino-acid change (proline 1447 retained).
Molecular consequence: synonymous variant.
Genome position (GRCh38, 1-based): chr8:2,144,924, G>A. VCF-style: chr8-2144924-G-A. GRCh37 (hg19) VCF-style: chr8-2092848-G-A.
Identifiers: ClinVar variation 3037755 (VCV003037755.2), dbSNP rs7000678, ClinGen allele CA170467328.